The following is an entry in ClinVar:

NM_014363.6(SACS):c.3066del (p.Asn1025fs)

Gene: SACS (sacsin molecular chaperone; minus strand). Cytogenetic location: 13q12.12.
Variant type: Deletion.
Coding change: c.3066del on transcript NM_014363.6 (MANE Select); coding-DNA position 3066, one base deleted (T; older notation c.3066delT).
Protein change: p.Asn1025fs; shifts the reading frame from asparagine 1025.
Molecular consequence: frameshift variant.
Genome position (GRCh38, 1-based): chr13:23,340,810, A deleted on the plus strand (T on the coding strand, the reverse complement: SACS is on the minus strand). VCF-style (leftmost placement, unchanged base first): chr13-23340809-GA-G. GRCh37 (hg19) VCF-style: chr13-23914948-GA-G.
Other names: c.2625del, p.Asn878fs (NM_001278055.2); short protein forms N878fs, N1025fs.
Identifiers: ClinVar variation 370786 (VCV000370786.6), dbSNP rs1057516767, ClinGen allele CA16041643.

ClinVar aggregate classification (germline): Pathogenic/Likely pathogenic. Review status: criteria provided, multiple submitters, no conflicts (2 of 4 stars). 4 submissions from 4 submitters: Pathogenic (2); Likely pathogenic (1). 1 of the submissions does not count toward it. Last evaluated 2024-03-15.

Conditions:
Charlevoix-Saguenay spastic ataxia (SACS). Also called: AUTOSOMAL RECESSIVE SPASTIC ATAXIA OF CHARLEVOIX-SAGUENAY; SPASTIC ATAXIA 6, AUTOSOMAL RECESSIVE; Spastic ataxia of Charlevoix-Saguenay. Identifiers: Orphanet 98, MedGen C1849140, MONDO:0010041, OMIM 270550.
Inborn genetic diseases. Identifiers: MedGen C0950123, MeSH D030342.

Allele frequency attached by ClinVar (database versions not stated): gnomAD 0.00001; TOPMed 0.00001.

Submissions (4):

Fulgent Genetics
Classification: Likely pathogenic for Charlevoix-Saguenay spastic ataxia. Last evaluated: 2024-03-15. Review status: criteria provided, single submitter. Criteria: ACMG Guidelines, 2015. Collection method: clinical testing. Allele origin: germline.

Ambry Genetics
Classification: Pathogenic for Inborn genetic diseases. Last evaluated: 2023-12-14. Review status: criteria provided, single submitter. Criteria: Ambry Variant Classification Scheme 2023. Collection method: clinical testing. Allele origin: germline.
Comment: The c.3066delT (p.N1025Mfs*10) alteration, located in exon 10 (coding exon 9) of the SACS gene, consists of a deletion of one nucleotide at position 3066, causing a translational frameshift with a predicted alternate stop codon after 10 amino acids. This alteration occurs at the 3' terminus of the SACS gene, is not expected to trigger nonsense-mediated mRNA decay, and impacts the last 77.6% of the protein. Premature stop codons are typically deleterious in nature, the impacted region is critical for protein function, and a significant portion of the protein is affected (Ambry internal data). Based on data from gnomAD, this allele has an overall frequency of 0.001% (1/152182) total alleles studied. The highest observed frequency was 0.002% (1/41442) of African/African American alleles. This alteration was reported in combination with a second SACS variant in an individual with features consistent with spastic ataxia of Charlevoix-Saguenay; however, phase information was not provided (Santos, 2022). Based on the available evidence, this alteration is classified as pathogenic.

Baylor Genetics
Classification: Pathogenic for Charlevoix-Saguenay spastic ataxia. Last evaluated: 2023-07-13. Review status: criteria provided, single submitter. Criteria: ACMG Guidelines, 2015. Collection method: clinical testing. Allele origin: unknown.

Counsyl
Classification: Likely pathogenic for Charlevoix-Saguenay spastic ataxia. Last evaluated: 2016-04-13. Review status: no assertion criteria provided. Collection method: clinical testing. Allele origin: unknown. Not counted in ClinVar's aggregate classification.

Literature cited by the submitters: PubMed 35326432 (cited by Ambry Genetics).